The following is an entry in ClinVar:

ClinVar aggregate classification (germline): Uncertain significance (1 of 4 stars; one submission).

Conditions:
Cardiovascular phenotype. Identifiers: MedGen CN230736.

Submission:

Ambry Genetics
Classification: Uncertain significance for Cardiovascular phenotype. Last evaluated: 2022-01-18. Review status: criteria provided, single submitter. Criteria: Ambry Variant Classification Scheme 2023. Collection method: clinical testing. Allele origin: germline.
Comment: The p.P36A variant (also known as c.106C>G), located in coding exon 2 of the COL1A1 gene, results from a C to G substitution at nucleotide position 106. The proline at codon 36 is replaced by alanine, an amino acid with highly similar properties. This amino acid position is not well conserved in available vertebrate species. In addition, this alteration is predicted to be tolerated by in silico analysis. Since supporting evidence is limited at this time, the clinical significance of this alteration remains unclear.

NM_000088.4(COL1A1):c.106C>G (p.Pro36Ala)

Gene: COL1A1 (collagen type I alpha 1 chain; minus strand). Cytogenetic location: 17q21.33.
Variant type: single nucleotide variant.
Coding change: c.106C>G on transcript NM_000088.4 (MANE Select); coding-DNA position 106, C replaced by G.
Protein change: p.Pro36Ala; replaces proline 36 with alanine.
Molecular consequence: missense variant.
Genome position (GRCh38, 1-based): chr17:50,199,945, G>C on the plus strand (C>G on the coding strand, the complement: COL1A1 is on the minus strand). VCF-style: chr17-50199945-G-C. GRCh37 (hg19) VCF-style: chr17-48277306-G-C.
Other names: short protein forms P36A.
Identifiers: ClinVar variation 1782946 (VCV001782946.2), dbSNP rs2509259842, ClinGen allele CA400228719.